The following is an entry in ClinVar:

NM_005188.4(CBL):c.1613C>T (p.Thr538Ile)

Gene: CBL (Cbl proto-oncogene; plus strand). Cytogenetic location: 11q23.3.
Variant type: single nucleotide variant.
Coding change: c.1613C>T on transcript NM_005188.4 (MANE Select); coding-DNA position 1613, C replaced by T.
Protein change: p.Thr538Ile; replaces threonine 538 with isoleucine.
Molecular consequence: missense variant.
Genome position (GRCh38, 1-based): chr11:119,285,238, C>T. VCF-style: chr11-119285238-C-T. GRCh37 (hg19) VCF-style: chr11-119155948-C-T.
Other names: short protein forms T538I.
Identifiers: ClinVar variation 3827776 (VCV003827776.1).
Genomic context (GRCh38, chr11:119,285,238, plus strand): 5'-TGCTTCCACAGGCTGCTTCTGGCTCCCTTCATAAAGACAAACCATTGCCAGTACCTCCCA[C>T]ACTTCGAGATCTTCCACCACCACCGCCTCCAGACCGGCCATATTCTGTTGGAGCAGAATC-3'
Protein context (NP_005179.2, residues 528-548): HKDKPLPVPP[Thr538Ile]LRDLPPPPPP

ClinVar aggregate classification (germline): Uncertain significance (1 of 4 stars; one submission).

Conditions:
Cardiovascular phenotype. Identifiers: MedGen CN230736.

Submission:

Ambry Genetics
Classification: Uncertain significance for Cardiovascular phenotype. Last evaluated: 2024-12-12. Review status: criteria provided, single submitter. Criteria: Ambry Variant Classification Scheme 2023. Collection method: clinical testing. Allele origin: germline.
Comment: The p.T538I variant (also known as c.1613C>T), located in coding exon 11 of the CBL gene, results from a C to T substitution at nucleotide position 1613. The threonine at codon 538 is replaced by isoleucine, an amino acid with similar properties. This amino acid position is conserved. In addition, the in silico prediction for this alteration is inconclusive. Based on the available evidence, the clinical significance of this variant remains unclear.